The following is an entry in ClinVar:

ClinVar aggregate classification (germline): Benign (1 of 4 stars; one submission).

Conditions:
Geroderma osteodysplastica (GO). Also called: WALT DISNEY DWARFISM; Geroderma osteodysplasticum. Identifiers: Orphanet 2078, MedGen C0432255, MONDO:0009271, OMIM 231070.

Allele frequency attached by ClinVar (database versions not stated): ExAC 0.00056; gnomAD 0.00081 and 0.00105; gnomAD exomes 0.00110 and 0.00217; TOPMed 0.00141; 1000 Genomes Project 0.00439; 1000 Genomes Project 30x 0.00453.
gnomAD v4.1: 481 of 450,350 alleles (0.11%); highest among the groups gnomAD compares: East Asian, 2.5%; 5 homozygotes.

Submission:

Illumina Laboratory Services, Illumina
Classification: Benign for Geroderma osteodysplastica. Last evaluated: 2018-01-13. Review status: criteria provided, single submitter. Criteria: ICSL Variant Classification Criteria 13 December 2019. Collection method: clinical testing. Allele origin: germline.
Comment: This variant was observed in the ICSL laboratory as part of a predisposition screen in an ostensibly healthy population. It had not been previously curated by ICSL or reported in the Human Gene Mutation Database (HGMD: prior to June 1st, 2018), and was therefore a candidate for classification through an automated scoring system. Utilizing variant allele frequency, disease prevalence and penetrance estimates, and inheritance mode, an automated score was calculated to assess if this variant is too frequent to cause the disease. Based on the score and internal cut-off values, a variant classified as benign is not then subjected to further curation. The score for this variant resulted in a classification of benign for this disease.

NM_152281.3(GORAB):c.*1217T>C

Gene: GORAB (golgin, RAB6 interacting; plus strand). Cytogenetic location: 1q24.2.
Variant type: single nucleotide variant.
Coding change: c.*1217T>C on transcript NM_152281.3 (MANE Select); 1217 bases downstream of the stop codon, T replaced by C.
Molecular consequence: 3 prime UTR variant. On other transcripts: non-coding transcript variant (1).
Genome position (GRCh38, 1-based): chr1:170,553,679, T>C. VCF-style: chr1-170553679-T-C. GRCh37 (hg19) VCF-style: chr1-170522820-T-C.
Other names: c.*1217T>C (NM_001320252.2).
Identifiers: ClinVar variation 293683 (VCV000293683.5), dbSNP rs77280970, ClinGen allele CA1239390.